The following is an entry in ClinVar:

NM_000170.3(GLDC):c.713+1G>A

Gene: GLDC (glycine decarboxylase; minus strand). Cytogenetic location: 9p24.1.
Variant type: single nucleotide variant.
Coding change: c.713+1G>A on transcript NM_000170.3 (MANE Select); the canonical splice donor site of the intron after coding-DNA position 713, G replaced by A.
Molecular consequence: splice donor variant.
Genome position (GRCh38, 1-based): chr9:6,606,591, C>T on the plus strand (G>A on the coding strand, the complement: GLDC is on the minus strand). VCF-style: chr9-6606591-C-T. GRCh37 (hg19) VCF-style: chr9-6606591-C-T.
Identifiers: ClinVar variation 848349 (VCV000848349.8), dbSNP rs903653902, ClinGen allele CA372897337.

ClinVar aggregate classification (germline): Likely pathogenic (1 of 4 stars; one submission).

Conditions:
Glycine encephalopathy. Also called: Nonketotic hyperglycinemia; Non-ketotic hyperglycinemia. Identifiers: Orphanet 407, MedGen C0751748, MONDO:0011612, HP:0008288.

Submission:

Labcorp Genetics (formerly Invitae), Labcorp
Classification: Likely pathogenic for Glycine encephalopathy. Last evaluated: 2019-02-18. Review status: criteria provided, single submitter. Criteria: Invitae Variant Classification Sherloc (09022015). Collection method: clinical testing. Allele origin: germline.
Comment: This variant has not been reported in the literature in individuals with GLDC-related conditions. This variant is not present in population databases (ExAC no frequency). This sequence change affects a donor splice site in intron 5 of the GLDC gene. It is expected to disrupt RNA splicing and likely results in an absent or disrupted protein product. Donor and acceptor splice site variants typically lead to a loss of protein function (PMID: 16199547), and loss-of-function variants in GLDC are known to be pathogenic (PMID: 16601880). Algorithms developed to predict the effect of sequence changes on RNA splicing suggest that this variant may disrupt the consensus splice site, but this prediction has not been confirmed by published transcriptional studies. In summary, the currently available evidence indicates that the variant is pathogenic, but additional data are needed to prove that conclusively. Therefore, this variant has been classified as Likely Pathogenic.

Literature cited by the submitters: PubMed 16199547; PubMed 16601880.